The following is an entry in ClinVar:

ClinVar aggregate classification (germline): Uncertain significance (1 of 4 stars; one submission).

Conditions:
Familial cold autoinflammatory syndrome 2 (FCAS2). Identifiers: Orphanet 247868, MedGen C2673198, MONDO:0012724, OMIM 611762.

Submission:

Labcorp Genetics (formerly Invitae), Labcorp
Classification: Uncertain significance for Familial cold autoinflammatory syndrome 2. Last evaluated: 2024-10-29. Review status: criteria provided, single submitter. Criteria: Invitae Variant Classification Sherloc (09022015). Collection method: clinical testing. Allele origin: germline.
Comment: This sequence change creates a premature translational stop signal (p.Gln453Alafs*27) in the NLRP12 gene. It is expected to result in an absent or disrupted protein product. However, the current clinical and genetic evidence is not sufficient to establish whether loss-of-function variants in NLRP12 cause disease. This variant is present in population databases (rs754949988, gnomAD 0.02%). This variant has not been reported in the literature in individuals affected with NLRP12-related conditions. ClinVar contains an entry for this variant (Variation ID: 1995798). In summary, the available evidence is currently insufficient to determine the role of this variant in disease. Therefore, it has been classified as a Variant of Uncertain Significance.

NM_144687.4(NLRP12):c.1350_1356dup (p.Gln453fs)

Gene: NLRP12 (NLR family pyrin domain containing 12; minus strand). Cytogenetic location: 19q13.42.
Variant type: Duplication.
Coding change: c.1350_1356dup on transcript NM_144687.4 (MANE Select); coding-DNA positions 1350 to 1356, 7 bases duplicated (GCGCCTC; older notation c.1350_1356dupGCGCCTC).
Protein change: p.Gln453fs; shifts the reading frame from glutamine 453.
Molecular consequence: frameshift variant.
Genome position (GRCh38, 1-based): chr19:53,810,303-53,810,309, GAGGCGC duplicated on the plus strand (GCGCCTC on the coding strand, the reverse complement: NLRP12 is on the minus strand); duplicating any 7 consecutive bases within chr19:53,810,303-53,810,310 gives the same sequence; the c. name uses the placement nearest the transcript's 3' end. VCF-style (leftmost placement, unchanged base first): chr19-53810302-G-GGAGGCGC. GRCh37 (hg19) VCF-style: chr19-54313556-G-GGAGGCGC.
Other names: c.1350_1356dup, p.Gln453fs (NM_001277126.2, NM_001277129.1); short protein forms Q453fs.
Identifiers: ClinVar variation 1995798 (VCV001995798.4), dbSNP rs754949988, ClinGen allele CA9639440.